The following is an entry in ClinVar:

NM_020247.5(COQ8A):c.1274_1282del (p.His425_Phe428delinsLeu)

Gene: COQ8A (coenzyme Q8A; plus strand). Cytogenetic location: 1q42.13.
Variant type: Deletion.
Coding change: c.1274_1282del on transcript NM_020247.5 (MANE Select); coding-DNA positions 1274 to 1282, 9 bases deleted (ACCCCTTCT; older notation c.1274_1282delACCCCTTCT).
Protein change: p.His425_Phe428delinsLeu.
Molecular consequence: inframe indel.
Genome position (GRCh38, 1-based): chr1:226,984,111-226,984,119, ACCCCTTCT deleted. VCF-style (leftmost placement, unchanged base first): chr1-226984110-CACCCCTTCT-C. GRCh37 (hg19) VCF-style: chr1-227171811-CACCCCTTCT-C.
Identifiers: ClinVar variation 2759495 (VCV002759495.3), dbSNP rs2528384792, ClinGen allele CA2697554953.

ClinVar aggregate classification (germline): Uncertain significance (1 of 4 stars; one submission).

Submission:

Labcorp Genetics (formerly Invitae), Labcorp
Classification: Uncertain significance. Last evaluated: 2023-09-10. Review status: criteria provided, single submitter. Criteria: Invitae Variant Classification Sherloc (09022015). Collection method: clinical testing. Allele origin: germline.
Comment: This variant is not present in population databases (gnomAD no frequency). This variant has been observed in individual(s) with clinical features of coenzyme Q10 deficiency (Invitae). In at least one individual the data is consistent with being in trans (on the opposite chromosome) from a pathogenic variant. Algorithms developed to predict the effect of sequence changes on RNA splicing suggest that this variant may disrupt the consensus splice site. In summary, the available evidence is currently insufficient to determine the role of this variant in disease. Therefore, it has been classified as a Variant of Uncertain Significance. This variant, c.1274_1282del, results in the deletion of 3 amino acid(s) of the COQ8A protein (p.His425_Phe428delinsLeu), but otherwise preserves the integrity of the reading frame.